The following is an entry in ClinVar:

ClinVar aggregate classification (germline): Uncertain significance (1 of 4 stars; one submission).

Conditions:
Aortic aneurysm, familial thoracic 4 (AAT4). Also called: AORTIC ANEURYSM/AORTIC DISSECTION AND PATENT DUCTUS ARTERIOSUS. Identifiers: MedGen C1851504, MONDO:0007568, OMIM 132900.

Submission:

Labcorp Genetics (formerly Invitae), Labcorp
Classification: Uncertain significance for Aortic aneurysm, familial thoracic 4. Last evaluated: 2024-05-26. Review status: criteria provided, single submitter. Criteria: Invitae Variant Classification Sherloc (09022015). Collection method: clinical testing. Allele origin: germline.
Comment: This sequence change replaces lysine, which is basic and polar, with threonine, which is neutral and polar, at codon 1656 of the MYH11 protein (p.Lys1656Thr). This variant is not present in population databases (gnomAD no frequency). This variant has not been reported in the literature in individuals affected with MYH11-related conditions. Advanced modeling of protein sequence and biophysical properties (such as structural, functional, and spatial information, amino acid conservation, physicochemical variation, residue mobility, and thermodynamic stability) performed at Invitae indicates that this missense variant is not expected to disrupt MYH11 protein function with a negative predictive value of 95%. In summary, the available evidence is currently insufficient to determine the role of this variant in disease. Therefore, it has been classified as a Variant of Uncertain Significance.

NM_002474.3(MYH11):c.4946A>C (p.Lys1649Thr)

Genes: MYH11 (myosin heavy chain 11; minus strand), NDE1 (nudE neurodevelopment protein 1; plus strand). Cytogenetic location: 16p13.11.
Variant type: single nucleotide variant.
Coding change: c.4946A>C on transcript NM_002474.3 (MANE Select); coding-DNA position 4946, A replaced by C.
Protein change: p.Lys1649Thr; replaces lysine 1649 with threonine.
Molecular consequence: missense variant. On other transcripts: intron variant (2).
Genome position (GRCh38, 1-based): chr16:15,720,158, T>G on the plus strand (A>C on the coding strand, the complement: MYH11 is on the minus strand). VCF-style: chr16-15720158-T-G. GRCh37 (hg19) VCF-style: chr16-15814015-T-G.
Other names: c.4967A>C, p.Lys1656Thr (NM_001040113.2, NM_001040114.2); c.4946A>C, p.Lys1649Thr (NM_022844.3); c.948-4033T>G (NM_001143979.2, NM_017668.3); short protein forms K1649T, K1656T.
Identifiers: ClinVar variation 3665713 (VCV003665713.2).
Genomic context (GRCh38, chr16:15,720,158, plus strand): 5'-AGGGGAACTGTGCCCTCCCTCCACCCATGCCCCAAGCTCCTAGTGTCACCCACCTGCAGT[T>G]TGCGTAGCTGCTTGATGGCTTCCTCCCTCCCCTTGATGGCAGAGTCGGCCTGAAGCTCCA-3'
Protein context (NP_002465.1, residues 1639-1659): GREEAIKQLR[Lys1649Thr]LQAQMKDFQR